The following is an entry in ClinVar:

NM_144631.6(ZNF513):c.457C>T (p.Arg153Cys)

Gene: ZNF513 (zinc finger protein 513; minus strand). Cytogenetic location: 2p23.3.
Variant type: single nucleotide variant.
Coding change: c.457C>T on transcript NM_144631.6 (MANE Select); coding-DNA position 457, C replaced by T.
Protein change: p.Arg153Cys; replaces arginine 153 with cysteine.
Molecular consequence: missense variant.
Genome position (GRCh38, 1-based): chr2:27,378,809, G>A on the plus strand (C>T on the coding strand, the complement: ZNF513 is on the minus strand). VCF-style: chr2-27378809-G-A. GRCh37 (hg19) VCF-style: chr2-27601676-G-A.
Other names: c.271C>T, p.Arg91Cys (NM_001201459.2); short protein forms R91C, R153C.
Identifiers: ClinVar variation 1441234 (VCV001441234.8), dbSNP rs776010421, ClinGen allele CA1578051.

ClinVar aggregate classification (germline): Uncertain significance (1 of 4 stars; one submission).

Allele frequency attached by ClinVar (database versions not stated): gnomAD exomes 0.00001; ExAC 0.00002.

Submission:

Labcorp Genetics (formerly Invitae), Labcorp
Classification: Uncertain significance. Last evaluated: 2025-10-13. Review status: criteria provided, single submitter. Criteria: Invitae Variant Classification Sherloc (09022015). Collection method: clinical testing. Allele origin: germline.
Comment: This sequence change replaces arginine, which is basic and polar, with cysteine, which is neutral and slightly polar, at codon 153 of the ZNF513 protein (p.Arg153Cys). This variant is present in population databases (rs776010421, gnomAD 0.003%). This variant has not been reported in the literature in individuals affected with ZNF513-related conditions. ClinVar contains an entry for this variant (Variation ID: 1441234). An algorithm developed to predict the effect of missense changes on protein structure and function (PolyPhen-2) suggests that this variant is likely to be disruptive. In summary, the available evidence is currently insufficient to determine the role of this variant in disease. Therefore, it has been classified as a Variant of Uncertain Significance.